The following is an entry in ClinVar:

ClinVar aggregate classification (germline): Uncertain significance. Review status: criteria provided, multiple submitters, no conflicts (2 of 4 stars). 2 submissions from 2 submitters: Uncertain significance (2). Last evaluated 2023-12-17.

Conditions:
Inborn genetic diseases. Identifiers: MedGen C0950123, MeSH D030342.

Allele frequency attached by ClinVar (database versions not stated): gnomAD exomes below 0.00001.
gnomAD v4.1: 1 of 1,614,210 alleles (0.000062%); highest among the groups gnomAD compares: Non-Finnish European, 0.000085%; no homozygotes.

Submissions (2):

Ambry Genetics
Classification: Uncertain significance for Inborn genetic diseases. Last evaluated: 2023-12-17. Review status: criteria provided, single submitter. Criteria: Ambry Variant Classification Scheme 2023. Collection method: clinical testing. Allele origin: germline.

Labcorp Genetics (formerly Invitae), Labcorp
Classification: Uncertain significance. Last evaluated: 2021-11-19. Review status: criteria provided, single submitter. Criteria: Invitae Variant Classification Sherloc (09022015). Collection method: clinical testing. Allele origin: germline.
Comment: In summary, the available evidence is currently insufficient to determine the role of this variant in disease. Therefore, it has been classified as a Variant of Uncertain Significance. Advanced modeling of protein sequence and biophysical properties (such as structural, functional, and spatial information, amino acid conservation, physicochemical variation, residue mobility, and thermodynamic stability) performed at Invitae indicates that this missense variant is not expected to disrupt BEST1 protein function. This variant has not been reported in the literature in individuals affected with BEST1-related conditions. This variant is not present in population databases (gnomAD no frequency). This sequence change replaces histidine, which is basic and polar, with arginine, which is basic and polar, at codon 399 of the BEST1 protein (p.His399Arg).

NM_004183.4(BEST1):c.1196A>G (p.His399Arg)

Gene: BEST1 (bestrophin 1; plus strand). Cytogenetic location: 11q12.3.
Variant type: single nucleotide variant.
Coding change: c.1196A>G on transcript NM_004183.4 (MANE Select); coding-DNA position 1196, A replaced by G.
Protein change: p.His399Arg; replaces histidine 399 with arginine.
Molecular consequence: missense variant. On other transcripts: non-coding transcript variant (1).
Genome position (GRCh38, 1-based): chr11:61,962,350, A>G. VCF-style: chr11-61962350-A-G. GRCh37 (hg19) VCF-style: chr11-61729822-A-G.
Other names: c.878A>G, p.His293Arg (NM_001363591.3); c.*91A>G (NM_001363592.2); c.224A>G, p.His75Arg (NM_001363593.3); c.1016A>G, p.His339Arg (NM_001139443.3, NM_001300787.2); c.935A>G, p.His312Arg (NM_001300786.2); short protein forms H75R, H312R, H339R, H399R, H293R.
Identifiers: ClinVar variation 1504147 (VCV001504147.7), dbSNP rs2134468608, ClinGen allele CA380847636.